The following is an entry in ClinVar:

NM_005267.5(GJA8):c.133T>C (p.Trp45Arg)

Gene: GJA8 (gap junction protein alpha 8; plus strand). Cytogenetic location: 1q21.2.
Variant type: single nucleotide variant.
Coding change: c.133T>C on transcript NM_005267.5 (MANE Select); coding-DNA position 133, T replaced by C.
Protein change: p.Trp45Arg; replaces tryptophan 45 with arginine.
Molecular consequence: missense variant.
Genome position (GRCh38, 1-based): chr1:147,908,088, T>C. VCF-style: chr1-147908088-T-C. GRCh37 (hg19) VCF-style: chr1-147380215-T-C.
Other names: short protein forms W45R.
Identifiers: ClinVar variation 2915341 (VCV002915341.4), dbSNP rs2524889089, ClinGen allele CA342223255.

ClinVar aggregate classification (germline): Conflicting classifications of pathogenicity. Review status: criteria provided, conflicting classifications (1 of 4 stars). 2 submissions from 2 submitters: Pathogenic (1); Uncertain significance (1). Last evaluated 2023-11-15.

Conditions:
Cataract 1 multiple types. Also called: CATARACT, DUFFY-LINKED; CATARACT 1, MULTIPLE TYPES, WITH OR WITHOUT MICROCORNEA; CATARACT 1, NUCLEAR PROGRESSIVE; CATARACT 1 WITH MICROCORNEA; CATARACT 1, POSTERIOR SUBCAPSULAR, WITH MICROCORNEA; CATARACT 1, STELLATE NUCLEAR, WITH MICROCORNEA. Identifiers: Orphanet 1377, MedGen C1861828, MONDO:0007285, OMIM 116200.

Submissions (2):

Labcorp Genetics (formerly Invitae), Labcorp
Classification: Pathogenic for Cataract 1 multiple types. Last evaluated: 2023-11-15. Review status: criteria provided, single submitter. Criteria: Invitae Variant Classification Sherloc (09022015). Collection method: clinical testing. Allele origin: germline.
Comment: This sequence change replaces tryptophan, which is neutral and slightly polar, with arginine, which is basic and polar, at codon 45 of the GJA8 protein (p.Trp45Arg). This variant is not present in population databases (gnomAD no frequency). This missense change has been observed in individual(s) with autosomal dominant congenital cataract (PMID: 30498267). It has also been observed to segregate with disease in related individuals. Advanced modeling of protein sequence and biophysical properties (such as structural, functional, and spatial information, amino acid conservation, physicochemical variation, residue mobility, and thermodynamic stability) performed at Invitae indicates that this missense variant is expected to disrupt GJA8 protein function with a positive predictive value of 95%. This variant disrupts the p.Trp45 amino acid residue in GJA8. Other variant(s) that disrupt this residue have been determined to be pathogenic (PMID: 18334946, 21228318, 25003127, 26694549). This suggests that this residue is clinically significant, and that variants that disrupt this residue are likely to be disease-causing. For these reasons, this variant has been classified as Pathogenic.

Dept. Genetics and Cancer, Menzies Institute for Medical Research, University of Tasmania
Classification: Uncertain significance for Cataract 1 multiple types. Last evaluated: 2023-01-21. Review status: criteria provided, single submitter. Criteria: ACMG Guidelines, 2015. Collection method: curation. Allele origin: germline. Affected: yes.
Comment: Variant identified and curated during a GJA8 specific review of the literature in relation to pediatric or congenital cataract. ACMG-AMP criteria applied: PM1(Supporting), PM2(Supporting), PM5(Supporting), PP1, PP3. Original variant report: PMID:30498267. The cataract phenotype reported for this variant is: Nuclear. Additional phenotype/s reported in these individual/s are: Microcornea, microphthalmia and posterior capsule defect. Gene review and curation guidelines are outlined in: DOI 10.1080/17469899.2023.2160320

Literature cited by the submitters: PubMed 30498267 (cited by Labcorp Genetics (formerly Invitae), Labcorp and Dept. Genetics and Cancer, Menzies Institute for Medical Research, University of Tasmania); PubMed 18334946 (cited by Labcorp Genetics (formerly Invitae), Labcorp); PubMed 21228318 (cited by Labcorp Genetics (formerly Invitae), Labcorp); PubMed 25003127 (cited by Labcorp Genetics (formerly Invitae), Labcorp); PubMed 26694549 (cited by Labcorp Genetics (formerly Invitae), Labcorp).